The following is an entry in ClinVar:

ClinVar aggregate classification (germline): Likely benign (1 of 4 stars; one submission).

Allele frequency attached by ClinVar (database versions not stated): TOPMed 0.00012; gnomAD 0.00017; gnomAD exomes 0.00023; 1000 Genomes Project 0.00040; 1000 Genomes Project 30x 0.00062.
gnomAD v4.1: 86 of 397,584 alleles (0.022%); highest among the groups gnomAD compares: Middle Eastern, 0.25%; no homozygotes.

Submission:

CeGaT Center for Human Genetics Tuebingen
Classification: Likely benign. Last evaluated: 2025-12-01. Review status: criteria provided, single submitter. Criteria: CeGaT Center For Human Genetics Tuebingen Variant Classification Criteria Version 2. Collection method: clinical testing. Allele origin: germline. Affected: yes. Observed: 3 variant alleles.
Comment: COL11A1: BP4, BP7

NM_001854.4(COL11A1):c.2142+744C>T

Gene: COL11A1 (collagen type XI alpha 1 chain; minus strand). Cytogenetic location: 1p21.1.
Variant type: single nucleotide variant.
Coding change: c.2142+744C>T on transcript NM_001854.4 (MANE Select); 744 bases into the intron after coding-DNA position 2142, C replaced by T.
Molecular consequence: intron variant.
Genome position (GRCh38, 1-based): chr1:103,001,181, G>A on the plus strand (C>T on the coding strand, the complement: COL11A1 is on the minus strand). VCF-style: chr1-103001181-G-A. GRCh37 (hg19) VCF-style: chr1-103466737-G-A.
Other names: c.2025+744C>T (NM_001190709.2); c.2178+744C>T (NM_080629.3); c.1794+744C>T (NM_080630.4).
Identifiers: ClinVar variation 2638949 (VCV002638949.24), dbSNP rs557959113, ClinGen allele CA27727127.